The following is an entry in ClinVar:

ClinVar aggregate classification (germline): Pathogenic/Likely pathogenic. Review status: criteria provided, multiple submitters, no conflicts (2 of 4 stars). 5 submissions from 5 submitters: Pathogenic (3); Likely pathogenic (1). 1 of the submissions does not count toward it. Last evaluated 2025-11-25.

Conditions:
Retinitis pigmentosa 39 (RP39). Identifiers: Orphanet 791, MedGen C3151138, MONDO:0013436, OMIM 613809.
Usher syndrome type 2A. Also called: RETINAL DISEASE IN USHER SYNDROME TYPE IIA, MODIFIER OF; USHER SYNDROME, TYPE IIA. Identifiers: Orphanet 231178, Orphanet 886, MedGen C1848634, MONDO:0010169, OMIM 276901.
Usher syndrome. Also called: Usher Syndromes; Usher's syndrome. Identifiers: Orphanet 886, MedGen CN469326, MeSH D052245, MONDO:0019501. Disease mechanism: loss of function.

Submissions (5):

Labcorp Genetics (formerly Invitae), Labcorp
Classification: Pathogenic. Last evaluated: 2025-11-25. Review status: criteria provided, single submitter. Criteria: Invitae Variant Classification Sherloc (09022015). Collection method: clinical testing. Allele origin: germline.
Comment: This sequence change creates a premature translational stop signal (p.Gln299Asnfs*37) in the USH2A gene. It is expected to result in an absent or disrupted protein product. Loss-of-function variants in USH2A are known to be pathogenic (PMID: 10729113, 10909849, 20507924, 25649381). This variant is present in population databases (no rsID available, gnomAD 0.007%). This premature translational stop signal has been observed in individual(s) with USH2A-related conditions (PMID: 28041643, 28894305). ClinVar contains an entry for this variant (Variation ID: 438031). For these reasons, this variant has been classified as Pathogenic.

Dasa
Classification: Pathogenic. Last evaluated: 2025-08-22. Review status: criteria provided, single submitter. Criteria: DASA Assertion Criteria. Collection method: clinical testing. Allele origin: germline.
Comment: NM_206933.4(USH2A):c.895del (p.Gln299Asnfs*37) introduces a premature termination codon predicted to result in loss of normal protein function. Loss-of-function is an established mechanism of disease for this gene. This variant has been recurrently observed in affected individuals with related phenotype in a genotype context consistent with recessive disease (PMID: 28894305; PMID: 28041643). The variant is present at low frequency in population datasets. Based on the available data, this variant is classified as pathogenic.

Natera, Inc.
Classification: Likely pathogenic for Usher syndrome type 2A. Last evaluated: 2025-03-13. Review status: criteria provided, single submitter. Criteria: Natera Variant Classification Schema (03/2026). Collection method: clinical testing. Allele origin: germline.
Comment: The c.895delC variant in USH2A is a frameshift variant predicted to shift the reading frame beginning at codon 299 and leads to a stop codon 37 codons downstream. This variant is expected to result in nonsense mediated decay, truncation, or a dysfunctional protein product. This variant is rare in the general population with a frequency below the threshold expected for the associated phenotype(s). Given the available evidence, this variant is classified as Likely Pathogenic.

Baylor Genetics
Classification: Pathogenic for Retinitis pigmentosa 39. Last evaluated: 2023-06-20. Review status: criteria provided, single submitter. Criteria: ACMG Guidelines, 2015. Collection method: clinical testing. Allele origin: unknown.

NIHR Bioresource Rare Diseases, University of Cambridge
Classification: Uncertain significance for Usher syndrome, type 2D. Last evaluated: 2015-01-01. Review status: flagged submission. Collection method: research. Allele origin: unknown. Affected: yes. Observed: 1 variant allele. Not counted in ClinVar's aggregate classification.
ClinVar note: Reason: Older claim that does not account for recent evidence

Literature cited by the submitters: PubMed 10729113 (cited by Labcorp Genetics (formerly Invitae), Labcorp); PubMed 10909849 (cited by Labcorp Genetics (formerly Invitae), Labcorp); PubMed 20507924 (cited by Labcorp Genetics (formerly Invitae), Labcorp); PubMed 25649381 (cited by Labcorp Genetics (formerly Invitae), Labcorp); PubMed 28041643 (cited by 3 submitters); PubMed 28894305 (cited by Labcorp Genetics (formerly Invitae), Labcorp and Dasa).

NM_206933.4(USH2A):c.895del (p.Gln299fs)

Gene: USH2A (usherin; minus strand). Cytogenetic location: 1q41.
Variant type: Deletion.
Coding change: c.895del on transcript NM_206933.4 (MANE Select); coding-DNA position 895, one base deleted (C; older notation c.895delC).
Protein change: p.Gln299fs; shifts the reading frame from glutamine 299.
Molecular consequence: frameshift variant.
Genome position (GRCh38, 1-based): chr1:216,325,553, G deleted on the plus strand (C on the coding strand, the reverse complement: USH2A is on the minus strand); the first of 3 consecutive G bases (chr1:216,325,553-216,325,555); deleting any one gives the same sequence. VCF-style (leftmost placement, unchanged base first): chr1-216325552-TG-T. GRCh37 (hg19) VCF-style: chr1-216498894-TG-T.
Other names: c.895del, p.Gln299fs (NM_007123.6); short protein forms Q299fs.
Identifiers: ClinVar variation 438031 (VCV000438031.11), dbSNP rs1338169194, ClinGen allele CA529004272.
Genomic context (GRCh38, chr1:216,325,552, plus strand): 5'-CAGTACCGCTGTGCCAAAGGGTGGACCCGCGGGTGGCTGCCAGGGCAACGGCAATGTGAT[TG>T]GGCATGCAATCTGAGAAGATCTCCAGAGAAGACTTCCAGAATCTCTCTGTGGGAGTCAAG-3'